The following is an entry in ClinVar:

ClinVar aggregate classification (germline): Likely pathogenic (1 of 4 stars; one submission).

Conditions:
Androgen resistance syndrome (AIS). Also called: ANDROGEN RECEPTOR DEFICIENCY; DIHYDROTESTOSTERONE RECEPTOR DEFICIENCY; TESTICULAR FEMINIZATION SYNDROME; Androgen insensitivity syndrome due to coactivator deficiency; Androgen insensitivity syndrome; Androgen insensitivity. Identifiers: Orphanet 754, Orphanet 99429, MedGen C0039585, MONDO:0019154, OMIM 300068. Disease mechanism: loss of function.
Kennedy disease (SMAX1). Also called: SPINAL AND BULBAR MUSCULAR ATROPHY, X-LINKED 1; KENNEDY SPINAL AND BULBAR MUSCULAR ATROPHY; Spinal and Bulbar Muscular Atrophy. Identifiers: Orphanet 481, MedGen C1839259, MONDO:0010735, OMIM 313200.

Submission:

Labcorp Genetics (formerly Invitae), Labcorp
Classification: Likely pathogenic for Kennedy disease; Androgen resistance syndrome. Last evaluated: 2022-05-29. Review status: criteria provided, single submitter. Criteria: Invitae Variant Classification Sherloc (09022015). Collection method: clinical testing. Allele origin: germline.
Comment: This sequence change affects an acceptor splice site in intron 4 of the AR gene. It is expected to disrupt RNA splicing. Variants that disrupt the donor or acceptor splice site typically lead to a loss of protein function (PMID: 16199547), and loss-of-function variants in AR are known to be pathogenic (PMID: 19463997). In summary, the currently available evidence indicates that the variant is pathogenic, but additional data are needed to prove that conclusively. Therefore, this variant has been classified as Likely Pathogenic. Algorithms developed to predict the effect of sequence changes on RNA splicing suggest that this variant may disrupt the consensus splice site. This variant has not been reported in the literature in individuals affected with AR-related conditions. This variant is not present in population databases (gnomAD no frequency).

Literature cited by the submitters: PubMed 16199547; PubMed 19463997.

NM_000044.6(AR):c.2174-2A>G

Gene: AR (androgen receptor; plus strand). Cytogenetic location: Xq12.
Variant type: single nucleotide variant.
Coding change: c.2174-2A>G on transcript NM_000044.6 (MANE Select); the canonical splice acceptor site of the intron before coding-DNA position 2174, A replaced by G.
Molecular consequence: splice acceptor variant.
Genome position (GRCh38, 1-based): chrX:67,717,476, A>G. VCF-style: chrX-67717476-A-G. GRCh37 (hg19) VCF-style: chrX-66937318-A-G.
Other names: c.578-2A>G (NM_001011645.3).
Identifiers: ClinVar variation 2000750 (VCV002000750.4), dbSNP rs2147530549, ClinGen allele CA413424239.